The following is an entry in ClinVar:

NM_001256864.2(DNAJC6):c.844C>T (p.Arg282Cys)

Gene: DNAJC6 (DnaJ heat shock protein family (Hsp40) member C6; plus strand). Cytogenetic location: 1p31.3.
Variant type: single nucleotide variant.
Coding change: c.844C>T on transcript NM_001256864.2 (MANE Select); coding-DNA position 844, C replaced by T.
Protein change: p.Arg282Cys; replaces arginine 282 with cysteine.
Molecular consequence: missense variant.
Genome position (GRCh38, 1-based): chr1:65,385,755, C>T. VCF-style: chr1-65385755-C-T. GRCh37 (hg19) VCF-style: chr1-65851438-C-T.
Other names: c.634C>T, p.Arg212Cys (NM_001256865.2); c.673C>T, p.Arg225Cys (NM_014787.4); short protein forms R282C, R225C, R212C.
Identifiers: ClinVar variation 1345716 (VCV001345716.7), dbSNP rs141833490, ClinGen allele CA893776.

ClinVar aggregate classification (germline): Uncertain significance. Review status: criteria provided, multiple submitters, no conflicts (2 of 4 stars). 2 submissions from 2 submitters: Uncertain significance (2). Last evaluated 2022-08-16.

Conditions:
Juvenile onset Parkinson disease 19A. Also called: PARK19; DNAJC6 Parkinson Disease. Identifiers: Orphanet 391411, MedGen C3809811, MONDO:0014231, OMIM 615528.

Allele frequency attached by ClinVar (database versions not stated): gnomAD exomes 0.00002 and 0.00005; ExAC 0.00004; gnomAD 0.00005; TOPMed 0.00006; ESP Exome Variant Server 0.00015; 1000 Genomes Project 30x 0.00016; 1000 Genomes Project 0.00020.

Submissions (2):

Labcorp Genetics (formerly Invitae), Labcorp
Classification: Uncertain significance for Juvenile onset Parkinson disease 19A. Last evaluated: 2022-08-16. Review status: criteria provided, single submitter. Criteria: Invitae Variant Classification Sherloc (09022015). Collection method: clinical testing. Allele origin: germline.
Comment: In summary, the available evidence is currently insufficient to determine the role of this variant in disease. Therefore, it has been classified as a Variant of Uncertain Significance. Algorithms developed to predict the effect of missense changes on protein structure and function output the following: SIFT: "Tolerated"; PolyPhen-2: "Benign"; Align-GVGD: "Class C0". The cysteine amino acid residue is found in multiple mammalian species, which suggests that this missense change does not adversely affect protein function. ClinVar contains an entry for this variant (Variation ID: 1345716). This variant has not been reported in the literature in individuals affected with DNAJC6-related conditions. This variant is present in population databases (rs141833490, gnomAD 0.04%). This sequence change replaces arginine, which is basic and polar, with cysteine, which is neutral and slightly polar, at codon 282 of the DNAJC6 protein (p.Arg282Cys).

Breakthrough Genomics
Classification: Uncertain significance. Review status: criteria provided, single submitter. Criteria: ACMG Guidelines, 2015. Collection method: not provided. Allele origin: germline. Inheritance: Autosomal recessive inheritance. Affected: yes.